The following is an entry in ClinVar:

NM_016203.4(PRKAG2):c.1449T>C (p.Ala483=)

Gene: PRKAG2 (protein kinase AMP-activated non-catalytic subunit gamma 2; minus strand). Cytogenetic location: 7q36.1.
Variant type: single nucleotide variant.
Coding change: c.1449T>C on transcript NM_016203.4 (MANE Select); coding-DNA position 1449, T replaced by C.
Protein change: p.Ala483=; no amino-acid change (alanine 483 retained).
Molecular consequence: synonymous variant.
Genome position (GRCh38, 1-based): chr7:151,564,213, A>G on the plus strand (T>C on the coding strand, the complement: PRKAG2 is on the minus strand). VCF-style: chr7-151564213-A-G. GRCh37 (hg19) VCF-style: chr7-151261299-A-G.
Other names: c.1317T>C, p.Ala439= (NM_001040633.2); c.1074T>C, p.Ala358= (NM_001304527.2); c.726T>C, p.Ala242= (NM_001304531.2, NM_024429.2); c.1077T>C, p.Ala359= (NM_001363698.2).
Identifiers: ClinVar variation 227876 (VCV000227876.8), dbSNP rs148632949, ClinGen allele CA10576720.
Genomic context (GRCh38, chr7:151,564,213, plus strand): 5'-CTGTGAACGGTGCTGAAGGGCCTGGGTCACCGTGATATCTAGGTTATTGTATGTTTTCTC[A>G]GCAGCAAGATTCTGTAATGAAGCAAGAGAATAAATTATATCCTTTCATTTCAGTTCACTT-3'
Protein context (NP_057287.2, residues 473-493): YSKFDVINLA[Ala483=]EKTYNNLDIT

ClinVar aggregate classification (germline): Likely benign. Review status: criteria provided, multiple submitters, no conflicts (2 of 4 stars). 2 submissions from 2 submitters: Likely benign (2). Last evaluated 2022-12-10.

Conditions:
Lethal congenital glycogen storage disease of heart. Also called: PHOSPHORYLASE KINASE DEFICIENCY OF HEART; GLYCOGEN STORAGE DISEASE OF HEART. Identifiers: Orphanet 439854, MedGen C1849813, MONDO:0009867, OMIM 261740.

Allele frequency attached by ClinVar (database versions not stated): ESP Exome Variant Server 0.00008.

Submissions (2):

Labcorp Genetics (formerly Invitae), Labcorp
Classification: Likely benign for Lethal congenital glycogen storage disease of heart. Last evaluated: 2022-12-10. Review status: criteria provided, single submitter. Criteria: Invitae Variant Classification Sherloc (09022015). Collection method: clinical testing. Allele origin: germline.

Laboratory for Molecular Medicine, Mass General Brigham Personalized Medicine
Classification: Likely benign. Last evaluated: 2012-03-19. Review status: criteria provided, single submitter. Criteria: LMM Criteria. Collection method: clinical testing. Allele origin: germline. Observed: 1 variant allele.
Comment: p.Ala483Ala in Exon 14 of PRKAG2: This variant is not expected to have clinical significance because it does not alter an amino acid residue, is not located wit hin the splice consensus sequence. It has been identified in 1/7020 European Ame rican chromosomes from a broad population by the NHLBI Exome Sequencing Project (dbSNP rs148632949).